The following is an entry in ClinVar:

NM_032861.4(SERAC1):c.1762G>A (p.Val588Met)

Gene: SERAC1 (serine active site containing 1; minus strand). Cytogenetic location: 6q25.3.
Variant type: single nucleotide variant.
Coding change: c.1762G>A on transcript NM_032861.4 (MANE Select); coding-DNA position 1762, G replaced by A.
Protein change: p.Val588Met; replaces valine 588 with methionine.
Molecular consequence: missense variant.
Genome position (GRCh38, 1-based): chr6:158,113,515, C>T on the plus strand (G>A on the coding strand, the complement: SERAC1 is on the minus strand). VCF-style: chr6-158113515-C-T. GRCh37 (hg19) VCF-style: chr6-158534547-C-T.
Other names: short protein forms V588M.
Identifiers: ClinVar variation 1025302 (VCV001025302.6), dbSNP rs756012789, ClinGen allele CA4070942.

ClinVar aggregate classification (germline): Uncertain significance (1 of 4 stars; one submission).

Conditions:
3-methylglutaconic aciduria with deafness, encephalopathy, and Leigh-like syndrome (MEGDEL). Also called: SERAC1 Deficiency; 3-METHYLGLUTACONIC ACIDURIA, TYPE VI; MEGDEL syndrome. Identifiers: Orphanet 352328, MedGen C4040739, MONDO:0013875, OMIM 614739.

Allele frequency attached by ClinVar (database versions not stated): ExAC 0.00003; gnomAD 0.00003 and 0.00001; gnomAD exomes 0.00003 and 0.00004; TOPMed below 0.00001.
gnomAD v4.1: 44 of 1,613,956 alleles (0.0027%); highest among the groups gnomAD compares: South Asian, 0.041%; 1 homozygote.

Submission:

Labcorp Genetics (formerly Invitae), Labcorp
Classification: Uncertain significance for 3-methylglutaconic aciduria with deafness, encephalopathy, and Leigh-like syndrome. Last evaluated: 2021-08-26. Review status: criteria provided, single submitter. Criteria: Invitae Variant Classification Sherloc (09022015). Collection method: clinical testing. Allele origin: germline.
Comment: This sequence change replaces valine with methionine at codon 588 of the SERAC1 protein (p.Val588Met). The valine residue is moderately conserved and there is a small physicochemical difference between valine and methionine. This variant is present in population databases (rs756012789, ExAC 0.01%). This variant has not been reported in the literature in individuals affected with SERAC1-related conditions. Algorithms developed to predict the effect of missense changes on protein structure and function are either unavailable or do not agree on the potential impact of this missense change (SIFT: "Deleterious"; PolyPhen-2: "Possibly Damaging"; Align-GVGD: "Class C0"). In summary, the available evidence is currently insufficient to determine the role of this variant in disease. Therefore, it has been classified as a Variant of Uncertain Significance.